The following is an entry in ClinVar:

ClinVar aggregate classification (germline): Uncertain significance (1 of 4 stars; one submission).

Conditions:
Noonan syndrome (NS). Also called: Noonan's syndrome. Identifiers: Orphanet 648, MedGen C0028326, MeSH D009634, MONDO:0018997. Disease mechanism: gain of function.

gnomAD v4.1: 26 of 1,460,764 alleles (0.0018%); highest among the groups gnomAD compares: Non-Finnish European, 0.0024%; no homozygotes.

Submission:

Labcorp Genetics (formerly Invitae), Labcorp
Classification: Uncertain significance for Noonan syndrome. Last evaluated: 2024-10-04. Review status: criteria provided, single submitter. Criteria: Invitae Variant Classification Sherloc (09022015). Collection method: clinical testing. Allele origin: germline.
Comment: This sequence change replaces valine, which is neutral and non-polar, with leucine, which is neutral and non-polar, at codon 152 of the RRAS protein (p.Val152Leu). This variant is present in population databases (no rsID available, gnomAD 0.002%). This variant has not been reported in the literature in individuals affected with RRAS-related conditions. An algorithm developed to predict the effect of missense changes on protein structure and function (PolyPhen-2) suggests that this variant is likely to be tolerated. In summary, the available evidence is currently insufficient to determine the role of this variant in disease. Therefore, it has been classified as a Variant of Uncertain Significance.

NM_006270.5(RRAS):c.454G>C (p.Val152Leu)

Gene: RRAS (RAS related; minus strand). Cytogenetic location: 19q13.33.
Variant type: single nucleotide variant.
Coding change: c.454G>C on transcript NM_006270.5 (MANE Select); coding-DNA position 454, G replaced by C.
Protein change: p.Val152Leu; replaces valine 152 with leucine.
Molecular consequence: missense variant.
Genome position (GRCh38, 1-based): chr19:49,635,852, C>G on the plus strand (G>C on the coding strand, the complement: RRAS is on the minus strand). VCF-style: chr19-49635852-C-G. GRCh37 (hg19) VCF-style: chr19-50139109-C-G.
Other names: short protein forms V152L.
Identifiers: ClinVar variation 3604170 (VCV003604170.2).